The following is an entry in ClinVar:

ClinVar aggregate classification (germline): Likely pathogenic. Review status: reviewed by expert panel (3 of 4 stars). 2 submissions from 2 submitters: Likely pathogenic (1). 1 of the submissions does not count toward it. Last evaluated 2022-06-15.

Conditions:
Monogenic diabetes. Identifiers: Orphanet 183625, MedGen C3888631, MONDO:0015967.

Submissions (2):

ClinGen Monogenic Diabetes Variant Curation Expert Panel
Classification: Likely pathogenic for Monogenic diabetes. Last evaluated: 2022-06-15. Review status: reviewed by expert panel. Criteria: ClinGen Diabetes ACMG Specifications v1 1. Collection method: curation. Allele origin: germline. Inheritance: Autosomal dominant inheritance.
Comment: The c.380_382del variant in the HNF1 homeobox A gene, HNF1A, is a three base pair deletion resulting in the in-frame deletion of one amino acid at codon 127 (p.(Asn127del)) within exon two of NM_000545.8. The c.380_382del variant is predicted to change the length of the protein due to an in-frame deletion of a single amino acid in a nonrepeat region (PM4_Supporting). This variant is located within a conserved region of the DNA binding domain (codons 107-174 and 201-280) of HNF1A, which is defined as critical for the protein’s function by the ClinGen MDEP (PM1_Supporting). Functional studies have also demonstrated the p.Asn127del protein has transactivation below 40% of wildtype, indicating that this variant impacts protein function (PMID: 12530534). This variant is absent in gnomAD v2.1.1 (PM2_Supporting), and was identified in an individual with a clinical history highly specific for HNF1A-MODY (MODY probability calculator result >50%, negative genetic testing for HNF4A, and antibody negative) (PP4_Moderate; internal lab contributor). In summary, c.380_382del meets the criteria to be classified as likely pathogenic for monogenic diabetes. ACMG/AMP criteria applied, as specified by the ClinGen MDEP (specification version 1.1, Approved 9/30/21): PP4_Moderate, PM1_Supporting, PM2_Supporting, PM4_Supporting, PS3_Supporting.

Labcorp Genetics (formerly Invitae), Labcorp
Classification: Likely pathogenic. Last evaluated: 2024-11-05. Review status: criteria provided, single submitter. Criteria: Invitae Variant Classification Sherloc (09022015). Collection method: clinical testing. Allele origin: germline. Not counted in ClinVar's aggregate classification.
Comment: This variant, c.380_382del, results in the deletion of 1 amino acid(s) of the HNF1A protein (p.Asn127del), but otherwise preserves the integrity of the reading frame. This variant is not present in population databases (gnomAD no frequency). This variant has been observed in individuals with maturity onset diabetes of the young (PMID: 11942313, 16917892, 37396188; internal data). It has also been observed to segregate with disease in related individuals. Algorithms developed to predict the effect of variants on gene product structure and function are not available or were not evaluated for this variant. Experimental studies have shown that this variant affects HNF1A function (PMID: 12530534). In summary, the currently available evidence indicates that the variant is pathogenic, but additional data are needed to prove that conclusively. Therefore, this variant has been classified as Likely Pathogenic.

Literature cited by the submitters: PubMed 11942313 (cited by Labcorp Genetics (formerly Invitae), Labcorp); PubMed 16917892 (cited by Labcorp Genetics (formerly Invitae), Labcorp); PubMed 37396188 (cited by Labcorp Genetics (formerly Invitae), Labcorp); PubMed 12530534 (cited by Labcorp Genetics (formerly Invitae), Labcorp).

NM_000545.8(HNF1A):c.377ACA[1] (p.Asn127del)

Gene: HNF1A (HNF1 homeobox A; plus strand). Cytogenetic location: 12q24.31.
Variant type: Microsatellite.
Coding change: c.377ACA[1] on transcript NM_000545.8 (MANE Select); one copy of the 3-base unit ACA starting at c.377; the reference has two copies in a row; one copy, 3 bases deleted.
Protein change: p.Asn127del; deletes asparagine 127.
Molecular consequence: inframe deletion.
Genome position (GRCh38, 1-based): chr12:120,988,886-120,988,888, ACA deleted; deleting any 3 consecutive bases within chr12:120,988,883-120,988,888 gives the same sequence; the position shown is the placement nearest the transcript's 3' end. VCF-style (leftmost placement, unchanged base first): chr12-120988882-CACA-C. GRCh37 (hg19) VCF-style: chr12-121426685-CACA-C.
Other names: NM_001306179.2:c.380_382del; c.377ACA[1], p.Asn127del (NM_001306179.2); short protein forms N127del.
Identifiers: ClinVar variation 1693218 (VCV001693218.3), dbSNP rs2135832562, ClinGen allele CA2573130154.